The following is an entry in ClinVar:

NM_024809.5(TCTN2):c.316T>G (p.Ser106Ala)

Gene: TCTN2 (tectonic family member 2; plus strand). Cytogenetic location: 12q24.31.
Variant type: single nucleotide variant.
Coding change: c.316T>G on transcript NM_024809.5 (MANE Select); coding-DNA position 316, T replaced by G.
Protein change: p.Ser106Ala; replaces serine 106 with alanine.
Molecular consequence: missense variant.
Genome position (GRCh38, 1-based): chr12:123,673,663, T>G. VCF-style: chr12-123673663-T-G. GRCh37 (hg19) VCF-style: chr12-124158210-T-G.
Other names: c.313T>G, p.Ser105Ala (NM_001143850.3); short protein forms S106A, S105A.
Identifiers: ClinVar variation 1463886 (VCV001463886.5), dbSNP rs148032415, ClinGen allele CA6860866.

ClinVar aggregate classification (germline): Uncertain significance. Review status: criteria provided, multiple submitters, no conflicts (2 of 4 stars). 2 submissions from 2 submitters: Uncertain significance (2). Last evaluated 2023-08-04.

Conditions:
Meckel-Gruber syndrome. Also called: Dysencephalia splachnocystica; DYSENCEPHALIA SPLANCHNOCYSTICA; GRUBER SYNDROME. Identifiers: Orphanet 564, MedGen C0265215, MONDO:0018921.
Joubert syndrome. Also called: Familial aplasia of the vermis; JOUBERT-BOLTSHAUSER SYNDROME. Identifiers: Orphanet 475, MedGen C5979921, MONDO:0018772.

Allele frequency attached by ClinVar (database versions not stated): gnomAD exomes 0.00001 and 0.00002; ExAC 0.00002; TOPMed 0.00009; ESP Exome Variant Server 0.00015; gnomAD 0.00015 and 0.00016.
gnomAD v4.1: 34 of 1,614,106 alleles (0.0021%); highest among the groups gnomAD compares: African/African-American, 0.036%; no homozygotes.

Submissions (2):

Labcorp Genetics (formerly Invitae), Labcorp
Classification: Uncertain significance for Joubert syndrome; Meckel-Gruber syndrome. Last evaluated: 2023-08-04. Review status: criteria provided, single submitter. Criteria: Invitae Variant Classification Sherloc (09022015). Collection method: clinical testing. Allele origin: germline.
Comment: In summary, the available evidence is currently insufficient to determine the role of this variant in disease. Therefore, it has been classified as a Variant of Uncertain Significance. Advanced modeling of protein sequence and biophysical properties (such as structural, functional, and spatial information, amino acid conservation, physicochemical variation, residue mobility, and thermodynamic stability) performed at Invitae indicates that this missense variant is not expected to disrupt TCTN2 protein function. ClinVar contains an entry for this variant (Variation ID: 1463886). This variant has not been reported in the literature in individuals affected with TCTN2-related conditions. This variant is present in population databases (rs148032415, gnomAD 0.03%). This sequence change replaces serine, which is neutral and polar, with alanine, which is neutral and non-polar, at codon 106 of the TCTN2 protein (p.Ser106Ala).

Blueprint Genetics
Classification: Uncertain significance. Last evaluated: 2022-04-05. Review status: criteria provided, single submitter. Criteria: ACMG Guidelines, 2015. Collection method: clinical testing. Allele origin: germline.